The following is an entry in ClinVar:

ClinVar aggregate classification (germline): Pathogenic (1 of 4 stars; one submission).

Conditions:
Hereditary cancer-predisposing syndrome. Also called: Tumor predisposition; Neoplastic Syndromes, Hereditary; Hereditary neoplastic syndrome; Hereditary Cancer Syndrome. Identifiers: Orphanet 140162, MedGen C0027672, MeSH D009386, MONDO:0015356.

Submission:

Ambry Genetics
Classification: Pathogenic for Hereditary cancer-predisposing syndrome. Last evaluated: 2024-09-25. Review status: criteria provided, single submitter. Criteria: Ambry Variant Classification Scheme 2023. Collection method: clinical testing. Allele origin: germline.
Comment: The c.1318_1321dupGACA pathogenic mutation, located in coding exon 5 of the BARD1 gene, results from a duplication of GACA at nucleotide position 1318, causing a translational frameshift with a predicted alternate stop codon (p.I441Rfs*6). This variant is considered to be rare based on population cohorts in the Genome Aggregation Database (gnomAD). This alteration is expected to result in loss of function by premature protein truncation or nonsense-mediated mRNA decay. As such, this alteration is interpreted as a disease-causing mutation. Based on the supporting evidence, this variant is interpreted as a disease-causing mutation.

NM_000465.4(BARD1):c.1318_1321dup (p.Ile441fs)

Gene: BARD1 (BRCA1 associated RING domain 1; minus strand). Cytogenetic location: 2q35.
Variant type: Duplication.
Coding change: c.1318_1321dup on transcript NM_000465.4 (MANE Select); coding-DNA positions 1318 to 1321, 4 bases duplicated (GACA; older notation c.1318_1321dupGACA).
Protein change: p.Ile441fs; shifts the reading frame from isoleucine 441.
Molecular consequence: frameshift variant. On other transcripts: non-coding transcript variant (3), intron variant (3).
Genome position (GRCh38, 1-based): chr2:214,769,306-214,769,309, TGTC duplicated on the plus strand (GACA on the coding strand, the reverse complement: BARD1 is on the minus strand). VCF-style (leftmost placement, unchanged base first): chr2-214769305-A-ATGTC. GRCh37 (hg19) VCF-style: chr2-215634029-A-ATGTC.
Other names: c.1261_1264dup, p.Ile422fs (NM_001282543.2); c.159-16754_159-16751dup (NM_001282548.2); c.216-16754_216-16751dup (NM_001282545.2); c.364+22988_364+22991dup (NM_001282549.2); short protein forms I441fs, I422fs.
Identifiers: ClinVar variation 3479720 (VCV003479720.1).